The following is an entry in ClinVar:

NM_000260.4(MYO7A):c.6547G>T (p.Glu2183Ter)

Gene: MYO7A (myosin VIIA; plus strand). Cytogenetic location: 11q13.5.
Variant type: single nucleotide variant.
Coding change: c.6547G>T on transcript NM_000260.4 (MANE Select); coding-DNA position 6547, G replaced by T.
Protein change: p.Glu2183Ter; replaces glutamic acid 2183 with a stop codon.
Molecular consequence: nonsense.
Genome position (GRCh38, 1-based): chr11:77,213,968, G>T. VCF-style: chr11-77213968-G-T. GRCh37 (hg19) VCF-style: chr11-76925013-G-T.
Other names: c.6400G>T, p.Glu2134Ter (NM_001369365.1); c.6427G>T, p.Glu2143Ter (NM_001127180.2); short protein forms E2143*, E2183*, E2134*.
Identifiers: ClinVar variation 2858753 (VCV002858753.3), dbSNP rs373761833, ClinGen allele CA381938312.

ClinVar aggregate classification (germline): Pathogenic (1 of 4 stars; one submission).

Submission:

Labcorp Genetics (formerly Invitae), Labcorp
Classification: Pathogenic. Last evaluated: 2023-04-24. Review status: criteria provided, single submitter. Criteria: Invitae Variant Classification Sherloc (09022015). Collection method: clinical testing. Allele origin: germline.
Comment: This variant has not been reported in the literature in individuals affected with MYO7A-related conditions. Algorithms developed to predict the effect of sequence changes on RNA splicing suggest that this variant may create or strengthen a splice site. This variant disrupts a region of the MYO7A protein in which other variant(s) (p.Thr2184Met) have been determined to be pathogenic (PMID: 26791358, 28041643). This suggests that this is a clinically significant region of the protein, and that variants that disrupt it are likely to be disease-causing. For these reasons, this variant has been classified as Pathogenic. This sequence change creates a premature translational stop signal (p.Glu2183*) in the MYO7A gene. While this is not anticipated to result in nonsense mediated decay, it is expected to disrupt the last 33 amino acid(s) of the MYO7A protein. This variant is not present in population databases (gnomAD no frequency).

Literature cited by the submitters: PubMed 26791358; PubMed 28041643.